The following is an entry in ClinVar:

ClinVar aggregate classification (germline): Uncertain significance. Review status: criteria provided, multiple submitters, no conflicts (2 of 4 stars). 2 submissions from 2 submitters: Uncertain significance (2). Last evaluated 2025-12-01.

Conditions:
Primary dilated cardiomyopathy (DCM). Also called: Dilated Cardiomyopathy. Identifiers: Orphanet 217604, MedGen C0007193, MeSH D002311, MONDO:0005021, HP:0001644. Inheritance: Various modes of inheritance.
Cardiovascular phenotype. Identifiers: MedGen CN230736.

Allele frequency attached by ClinVar (database versions not stated): ExAC 0.00001; TOPMed 0.00003; gnomAD 0.00006; ESP Exome Variant Server 0.00016.
gnomAD v4.1: 38 of 1,613,220 alleles (0.0024%); highest among the groups gnomAD compares: Non-Finnish European, 0.0028%; no homozygotes.

Submissions (2):

Labcorp Genetics (formerly Invitae), Labcorp
Classification: Uncertain significance for Primary dilated cardiomyopathy. Last evaluated: 2025-12-01. Review status: criteria provided, single submitter. Criteria: Invitae Variant Classification Sherloc (09022015). Collection method: clinical testing. Allele origin: germline.
Comment: This sequence change replaces serine, which is neutral and polar, with tyrosine, which is neutral and polar, at codon 386 of the TXNRD2 protein (p.Ser386Tyr). This variant is present in population databases (rs377598025, gnomAD 0.002%). This variant has not been reported in the literature in individuals affected with TXNRD2-related conditions. ClinVar contains an entry for this variant (Variation ID: 840840). Invitae Evidence Modeling of protein sequence and biophysical properties (such as structural, functional, and spatial information, amino acid conservation, physicochemical variation, residue mobility, and thermodynamic stability) indicates that this missense variant is expected to disrupt TXNRD2 protein function with a positive predictive value of 80%. In summary, the available evidence is currently insufficient to determine the role of this variant in disease. Therefore, it has been classified as a Variant of Uncertain Significance.

Ambry Genetics
Classification: Uncertain significance for Cardiovascular phenotype. Last evaluated: 2024-12-21. Review status: criteria provided, single submitter. Criteria: Ambry Variant Classification Scheme 2023. Collection method: clinical testing. Allele origin: germline.
Comment: The p.S386Y variant (also known as c.1157C>A), located in coding exon 13 of the TXNRD2 gene, results from a C to A substitution at nucleotide position 1157. The serine at codon 386 is replaced by tyrosine, an amino acid with dissimilar properties. This amino acid position is well conserved in available vertebrate species. In addition, the in silico prediction for this alteration is inconclusive. Since supporting evidence is limited at this time, the clinical significance of this alteration remains unclear.

NM_006440.5(TXNRD2):c.1157C>A (p.Ser386Tyr)

Gene: TXNRD2 (thioredoxin reductase 2; minus strand). Cytogenetic location: 22q11.21.
Variant type: single nucleotide variant.
Coding change: c.1157C>A on transcript NM_006440.5 (MANE Select); coding-DNA position 1157, C replaced by A.
Protein change: p.Ser386Tyr; replaces serine 386 with tyrosine.
Molecular consequence: missense variant. On other transcripts: non-coding transcript variant (1).
Genome position (GRCh38, 1-based): chr22:19,880,647, G>T on the plus strand (C>A on the coding strand, the complement: TXNRD2 is on the minus strand). VCF-style: chr22-19880647-G-T. GRCh37 (hg19) VCF-style: chr22-19868170-G-T.
Other names: c.1154C>A, p.Ser385Tyr (NM_001352300.2); c.1067C>A, p.Ser356Tyr (NM_001352301.2); c.869C>A, p.Ser290Tyr (NM_001352302.2); short protein forms S386Y, S385Y, S290Y, S356Y.
Identifiers: ClinVar variation 840840 (VCV000840840.11), dbSNP rs377598025, ClinGen allele CA10103782.